The following is an entry in ClinVar:

NM_024422.6(DSC2):c.745A>C (p.Thr249Pro)

Gene: DSC2 (desmocollin 2; minus strand). Cytogenetic location: 18q12.1.
Variant type: single nucleotide variant.
Coding change: c.745A>C on transcript NM_024422.6 (MANE Select); coding-DNA position 745, A replaced by C.
Protein change: p.Thr249Pro; replaces threonine 249 with proline.
Molecular consequence: missense variant.
Genome position (GRCh38, 1-based): chr18:31,087,699, T>G on the plus strand (A>C on the coding strand, the complement: DSC2 is on the minus strand). VCF-style: chr18-31087699-T-G. GRCh37 (hg19) VCF-style: chr18-28667662-T-G.
Other names: p.T249P:ACT>CCT; c.745A>C, p.Thr249Pro (NM_004949.5); short protein forms T249P.
Identifiers: ClinVar variation 199763 (VCV000199763.21), dbSNP rs149848359, ClinGen allele CA022912.
Genomic context (GRCh38, chr18:31,087,699, plus strand): 5'-TTGCCATATATTGTTTAAGGAGGTACTCACCCACTCTGCAATTTTCAAAAATTGTAAAAG[T>G]ATAAGTTTCTTCTGTAAAAATTGGGTAGTTATCATTTTCATCCTCTATTTTGATTATTAG-3'
Protein context (NP_077740.1, residues 239-259): NYPIFTEETY[Thr249Pro]FTIFENCRVG

ClinVar aggregate classification (germline): Uncertain significance. Review status: criteria provided, multiple submitters, no conflicts (2 of 4 stars). 6 submissions from 6 submitters: Uncertain significance (6). Last evaluated 2025-12-16.

Conditions:
Cardiovascular phenotype. Identifiers: MedGen CN230736.
Familial isolated arrhythmogenic right ventricular dysplasia. Identifiers: Orphanet 217656, MedGen C4274968, MONDO:0016342.
Cardiomyopathy (CMYO). Also called: Cardiomyopathies. Identifiers: Orphanet 167848, MedGen C0878544, MONDO:0004994, HP:0001638. Inheritance: Various modes of inheritance.
Arrhythmogenic right ventricular dysplasia 11. Also called: Arrhythmogenic right ventricular dysplasia 11 with mild palmoplantar keratoderma and woolly hair; Arrhythmogenic Right Ventricular Dysplasia/Cardiomyopathy11; ARRHYTHMOGENIC RIGHT VENTRICULAR DYSPLASIA, FAMILIAL, 11. Identifiers: MedGen C1864850, MONDO:0012506, OMIM 610476.

Allele frequency attached by ClinVar (database versions not stated): gnomAD exomes 0.00001 and below 0.00001; gnomAD 0.00002; TOPMed 0.00002; ESP Exome Variant Server 0.00008.
gnomAD v4.1: 9 of 1,613,200 alleles (0.00056%); highest among the groups gnomAD compares: African/African-American, 0.0013%; no homozygotes.

Submissions (6):

Labcorp Genetics (formerly Invitae), Labcorp
Classification: Uncertain significance for Arrhythmogenic right ventricular dysplasia 11. Last evaluated: 2025-12-16. Review status: criteria provided, single submitter. Criteria: Invitae Variant Classification Sherloc (09022015). Collection method: clinical testing. Allele origin: germline.
Comment: This sequence change replaces threonine, which is neutral and polar, with proline, which is neutral and non-polar, at codon 249 of the DSC2 protein (p.Thr249Pro). This variant is present in population databases (rs149848359, gnomAD 0.004%). This variant has not been reported in the literature in individuals affected with DSC2-related conditions. ClinVar contains an entry for this variant (Variation ID: 199763). Invitae Evidence Modeling of protein sequence and biophysical properties (such as structural, functional, and spatial information, amino acid conservation, physicochemical variation, residue mobility, and thermodynamic stability) indicates that this missense variant is not expected to disrupt DSC2 protein function with a negative predictive value of 80%. In summary, the available evidence is currently insufficient to determine the role of this variant in disease. Therefore, it has been classified as a Variant of Uncertain Significance.

Ambry Genetics
Classification: Uncertain significance for Cardiovascular phenotype. Last evaluated: 2025-11-10. Review status: criteria provided, single submitter. Criteria: Ambry Variant Classification Scheme 2023. Collection method: clinical testing. Allele origin: germline.
Comment: The p.T249P variant (also known as c.745A>C), located in coding exon 6 of the DSC2 gene, results from an A to C substitution at nucleotide position 745. The threonine at codon 249 is replaced by proline, an amino acid with highly similar properties. This amino acid position is poorly conserved in available vertebrate species. In addition, this alteration is predicted to be tolerated by in silico analysis. Since supporting evidence is limited at this time, the clinical significance of this alteration remains unclear.

GeneDx
Classification: Uncertain significance. Last evaluated: 2024-12-05. Review status: criteria provided, single submitter. Criteria: GeneDx Variant Classification Process June 2021. Collection method: clinical testing. Allele origin: germline. Affected: yes.
Comment: Not observed at significant frequency in large population cohorts (gnomAD); In silico analysis indicates that this missense variant does not alter protein structure/function; Has not been previously published as pathogenic or benign to our knowledge

All of Us Research Program, National Institutes of Health
Classification: Uncertain significance for Familial isolated arrhythmogenic right ventricular dysplasia. Last evaluated: 2024-08-13. Review status: criteria provided, single submitter. Criteria: ACMG Guidelines, 2015. Collection method: clinical testing. Allele origin: germline. Inheritance: Autosomal dominant inheritance. Observed: 9 variant alleles, 9 heterozygotes.
Comment: Variant of Uncertain Significance due to insufficient evidence: This missense variant is located in the extracellular cadherin domain 2 of the DSC2 protein. Computational prediction tools and conservation analyses suggest that this variant may not impact the protein function. Computational splicing tools suggest that this variant may not impact RNA splicing. To our knowledge, functional assays have not been performed for this variant nor has this variant been reported in individuals affected with cardiovascular disorders in the literature. This variant has been identified in 2/276658 chromosomes in the general population by the Genome Aggregation Database (gnomAD). Available evidence is insufficient to determine the role of this variant in disease conclusively.

This study involves interpretation of variants in research participants for the purpose of population health screening. Participant phenotype was not available at the time of variant classification. Additional details can be found in publication PMID: 35346344, PMCID: PMC8962531

Color Diagnostics, LLC DBA Color Health
Classification: Uncertain significance for Cardiomyopathy. Last evaluated: 2024-05-03. Review status: criteria provided, single submitter. Criteria: ACMG Guidelines, 2015. Collection method: clinical testing. Allele origin: germline.
Comment: This missense variant replaces threonine with proline at codon 249 of the DSC2 protein. Computational prediction suggests that this variant may not impact protein structure and function (internally defined REVEL score threshold <= 0.5, PMID: 27666373). To our knowledge, functional studies have not been reported for this variant. This variant has not been reported in individuals affected with DSC2-related disorders in the literature. This variant has been identified in 4/282262 chromosomes in the general population by the Genome Aggregation Database (gnomAD). The available evidence is insufficient to determine the role of this variant in disease conclusively. Therefore, this variant is classified as a Variant of Uncertain Significance.

Fulgent Genetics
Classification: Uncertain significance for Arrhythmogenic right ventricular dysplasia 11. Last evaluated: 2021-10-11. Review status: criteria provided, single submitter. Criteria: ACMG Guidelines, 2015. Collection method: clinical testing. Allele origin: unknown.